The following is an entry in ClinVar:

ClinVar aggregate classification (germline): Likely benign (1 of 4 stars; one submission).

Conditions:
Hypertrophic cardiomyopathy. Also called: HYPERTROPHIC MYOCARDIOPATHY. Identifiers: Orphanet 217569, MedGen C0007194, MeSH D002312, MONDO:0005045, HP:0001639.

Submission:

All of Us Research Program, National Institutes of Health
Classification: Likely benign for Hypertrophic cardiomyopathy. Last evaluated: 2023-09-17. Review status: criteria provided, single submitter. Criteria: ACMG Guidelines, 2015. Collection method: clinical testing. Allele origin: germline. Inheritance: Autosomal dominant inheritance. Observed: 1 variant allele, 1 heterozygote.
Comment: This study involves interpretation of variants in research participants for the purpose of population health screening. Participant phenotype was not available at the time of variant classification. Additional details can be found in publication PMID: 35346344, PMCID: PMC8962531

NM_016203.4(PRKAG2):c.63C>T (p.Gly21=)

Gene: PRKAG2 (protein kinase AMP-activated non-catalytic subunit gamma 2; minus strand). Cytogenetic location: 7q36.1.
Variant type: single nucleotide variant.
Coding change: c.63C>T on transcript NM_016203.4 (MANE Select); coding-DNA position 63, C replaced by T.
Protein change: p.Gly21=; no amino-acid change (glycine 21 retained).
Molecular consequence: synonymous variant.
Genome position (GRCh38, 1-based): chr7:151,876,558, G>A on the plus strand (C>T on the coding strand, the complement: PRKAG2 is on the minus strand). VCF-style: chr7-151876558-G-A. GRCh37 (hg19) VCF-style: chr7-151573643-G-A.
Other names: c.63C>T, p.Gly21= (NM_001407021.1, NM_001407022.1, NM_001407023.1 and 2 more transcripts).
Identifiers: ClinVar variation 3073375 (VCV003073375.1), dbSNP rs2485879688, ClinGen allele CA458679862.